The following is an entry in ClinVar:

ClinVar aggregate classification (germline): Uncertain significance (1 of 4 stars; one submission).

Conditions:
Neuroblastoma, susceptibility to, 3. Also called: ALK-Related Neuroblastic Tumor Susceptibility. Identifiers: Orphanet 635, MedGen C2751681, MONDO:0013083, OMIM 613014.

Submission:

Labcorp Genetics (formerly Invitae), Labcorp
Classification: Uncertain significance for Neuroblastoma, susceptibility to, 3. Last evaluated: 2025-02-07. Review status: criteria provided, single submitter. Criteria: Invitae Variant Classification Sherloc (09022015). Collection method: clinical testing. Allele origin: germline.
Comment: This sequence change replaces proline, which is neutral and non-polar, with arginine, which is basic and polar, at codon 157 of the ALK protein (p.Pro157Arg). This variant is not present in population databases (gnomAD no frequency). This variant has not been reported in the literature in individuals affected with ALK-related conditions. An algorithm developed to predict the effect of missense changes on protein structure and function (PolyPhen-2) suggests that this variant is likely to be tolerated. In summary, the available evidence is currently insufficient to determine the role of this variant in disease. Therefore, it has been classified as a Variant of Uncertain Significance.

NM_004304.5(ALK):c.470C>G (p.Pro157Arg)

Gene: ALK (ALK receptor tyrosine kinase; minus strand). Cytogenetic location: 2p23.1.
Variant type: single nucleotide variant.
Coding change: c.470C>G on transcript NM_004304.5 (MANE Select); coding-DNA position 470, C replaced by G.
Protein change: p.Pro157Arg; replaces proline 157 with arginine.
Molecular consequence: missense variant.
Genome position (GRCh38, 1-based): chr2:29,920,190, G>C on the plus strand (C>G on the coding strand, the complement: ALK is on the minus strand). VCF-style: chr2-29920190-G-C. GRCh37 (hg19) VCF-style: chr2-30143056-G-C.
Other names: short protein forms P157R.
Identifiers: ClinVar variation 4712562 (VCV004712562.1).